The following is an entry in ClinVar:

NM_007294.4(BRCA1):c.5278-22C>A

Gene: BRCA1 (BRCA1 DNA repair associated; minus strand). Cytogenetic location: 17q21.31.
Variant type: single nucleotide variant.
Coding change: c.5278-22C>A on transcript NM_007294.4 (MANE Select); 22 bases into the intron before coding-DNA position 5278, C replaced by A.
Molecular consequence: intron variant.
Genome position (GRCh38, 1-based): chr17:43,051,139, G>T on the plus strand (C>A on the coding strand, the complement: BRCA1 is on the minus strand). VCF-style: chr17-43051139-G-T. GRCh37 (hg19) VCF-style: chr17-41203156-G-T.
Other names: c.1825-22C>A (NM_001408458.1, NM_001408461.1, NM_001408464.1 and 7 more transcripts); c.4387-22C>A (NM_001407967.1); c.4897-22C>A (NM_001407959.1); c.5011-22C>A (NM_001407931.1, NM_001407932.1, NM_001407928.1 and 4 more transcripts); c.5134-22C>A (NM_001407747.1, NM_001407745.1, NM_001407737.1 and 21 more transcripts); c.4894-22C>A (NM_001407962.1, NM_001407960.1); c.1465-22C>A (NM_001408512.1); c.1588-22C>A (NM_001408510.1); and 74 more.
Identifiers: ClinVar variation 868261 (VCV000868261.3), dbSNP rs185646848, ClinGen allele CA916081109.
Genomic context (GRCh38, chr17:43,051,139, plus strand): 5'-GAAGGGCCCATAGCAACAGATTTCTAGCCCCCTGAAGATCTGGAAGAAGAGAGGAAGAGA[G>T]AGGGACAGGGGAATGGAGAGAAGGAAAATCTAGTTATAAAAGAATATTGGCTTTTATTCA-3'

Conditions:
Breast-ovarian cancer, familial, susceptibility to, 1 (BROVCA1). Also called: BRCA1 Hereditary Breast and Ovarian Cancer; OVARIAN CANCER, SUSCEPTIBILITY TO. Identifiers: Orphanet 145, MedGen C2676676, MONDO:0011450, OMIM 604370. Disease mechanism: loss of function.

Submission:

Brotman Baty Institute, University of Washington
No classification provided (evidence only). Condition: Breast-ovarian cancer, familial 1. Review status: no classification provided. Collection method: in vitro. Allele origin: not applicable. Functional consequence: function_uncertain_variant.
ClinVar note: "not provided" was previously submitted as the classification for the variant. However, the classification appeared to be based only on an observation of functional data so it was converted to no classification on 2025-07-30.